The following is an entry in ClinVar:

NC_000014.8:g.(?_58910652)_(58910913_?)del

Gene: KIAA0586 (KIAA0586; plus strand). Cytogenetic location: 14q23.1.
Variant type: Deletion.
Identifiers: ClinVar variation 2424011 (VCV002424011.4).

ClinVar aggregate classification (germline): Uncertain significance (1 of 4 stars; one submission).

Conditions:
Joubert syndrome 23 (JBTS23). Identifiers: Orphanet 475, MedGen C4084822, MONDO:0014664, OMIM 616490.
Short-rib thoracic dysplasia 14 with polydactyly (SRTD14). Identifiers: Orphanet 397715, MedGen C4225286, MONDO:0014688, OMIM 616546.

Submission:

Labcorp Genetics (formerly Invitae), Labcorp
Classification: Uncertain significance for Joubert syndrome 23; Short-rib thoracic dysplasia 14 with polydactyly. Last evaluated: 2022-06-09. Review status: criteria provided, single submitter. Criteria: Invitae Variant Classification Sherloc (09022015). Collection method: clinical testing. Allele origin: germline.
Comment: This variant is a gross deletion of the genomic region encompassing exon(s) 8 of the KIAA0586 gene. This variant would be expected to be in-frame, preserving the integrity of the reading frame. This variant has not been reported in the literature in individuals affected with KIAA0586-related conditions. Experimental studies and prediction algorithms are not available or were not evaluated, and the functional significance of this variant is currently unknown. In summary, the available evidence is currently insufficient to determine the role of this variant in disease. Therefore, it has been classified as a Variant of Uncertain Significance.